The following is an entry in ClinVar:

ClinVar aggregate classification (germline): Likely benign. Review status: criteria provided, single submitter (1 of 4 stars). 2 submissions from 2 submitters: Likely benign (1). 1 of the submissions does not count toward it. Last evaluated 2023-07-19.

Conditions:
MFSD8-related disorder. Also called: MFSD8-related condition.
Neuronal ceroid lipofuscinosis 7 (CLN7). Also called: MFSD8-Related Neuronal Ceroid-Lipofuscinosis. Identifiers: Orphanet 168491, Orphanet 228366, MedGen C1838571, MONDO:0012588, OMIM 610951.

Allele frequency attached by ClinVar (database versions not stated): ExAC 0.00001; gnomAD 0.00001; gnomAD exomes 0.00002.
gnomAD v4.1: 26 of 1,613,582 alleles (0.0016%); highest among the groups gnomAD compares: African/African-American, 0.0013%; no homozygotes.

Submissions (2):

Labcorp Genetics (formerly Invitae), Labcorp
Classification: Likely benign for Neuronal ceroid lipofuscinosis 7. Last evaluated: 2023-07-19. Review status: criteria provided, single submitter. Criteria: Invitae Variant Classification Sherloc (09022015). Collection method: clinical testing. Allele origin: germline.

PreventionGenetics, part of Exact Sciences
Classification: Likely benign for MFSD8-related condition. Last evaluated: 2023-02-28. Review status: no assertion criteria provided. Collection method: clinical testing. Allele origin: germline. Not counted in ClinVar's aggregate classification.
Comment: This variant is classified as likely benign based on ACMG/AMP sequence variant interpretation guidelines (Richards et al. 2015 PMID: 25741868, with internal and published modifications).

NM_001371596.2(MFSD8):c.963T>A (p.Val321=)

Gene: MFSD8 (major facilitator superfamily domain containing 8; minus strand). Cytogenetic location: 4q28.2.
Variant type: single nucleotide variant.
Coding change: c.963T>A on transcript NM_001371596.2 (MANE Select); coding-DNA position 963, T replaced by A.
Protein change: p.Val321=; no amino-acid change (valine 321 retained).
Molecular consequence: synonymous variant.
Genome position (GRCh38, 1-based): chr4:127,930,718, A>T on the plus strand (T>A on the coding strand, the complement: MFSD8 is on the minus strand). VCF-style: chr4-127930718-A-T. GRCh37 (hg19) VCF-style: chr4-128851873-A-T.
Other names: c.969T>A, p.Val323= (NM_001371592.2); c.849T>A, p.Val283= (NM_001371593.2, NM_001410766.1); c.816T>A, p.Val272= (NM_001371594.2); c.681T>A, p.Val227= (NM_001371595.1); c.513T>A, p.Val171= (NM_001410765.1); c.963T>A, p.Val321= (NM_152778.4, NM_001371591.2); c.762T>A, p.Val254= (NM_001363520.3); c.648T>A, p.Val216= (NM_001363521.3); and 2 more.
Identifiers: ClinVar variation 1948909 (VCV001948909.7), dbSNP rs762491362, ClinGen allele CA3077330.
Genomic context (GRCh38, chr4:127,930,718, plus strand): 5'-ATAAAACCAAAAACACTTAACTTACTTTTTGGAAAGCAACTTAACTCCTAAGAAAATAAC[A>T]ACGGCTTCAACCCCAAGAGCAGCAAGTATTATGCCATTATATAACACAGCTTGTTCTTGA-3'
Protein context (NP_001358525.1, residues 311-331): IILAALGVEA[Val321=]VIFLGVKLLS